The following is an entry in ClinVar:

NM_001457.4(FLNB):c.3281C>T (p.Thr1094Ile)

Gene: FLNB (filamin B; plus strand). Cytogenetic location: 3p14.3.
Variant type: single nucleotide variant.
Coding change: c.3281C>T on transcript NM_001457.4 (MANE Select); coding-DNA position 3281, C replaced by T.
Protein change: p.Thr1094Ile; replaces threonine 1094 with isoleucine.
Molecular consequence: missense variant.
Genome position (GRCh38, 1-based): chr3:58,123,247, C>T. VCF-style: chr3-58123247-C-T. GRCh37 (hg19) VCF-style: chr3-58108974-C-T.
Other names: c.3281C>T, p.Thr1094Ile (NM_001164317.2, NM_001164318.2, NM_001164319.2); short protein forms T1094I.
Identifiers: ClinVar variation 4773179 (VCV004773179.1).

ClinVar aggregate classification (germline): Uncertain significance (1 of 4 stars; one submission).

gnomAD v4.1: 1 of 1,614,144 alleles (0.000062%); no homozygotes.

Submission:

Labcorp Genetics (formerly Invitae), Labcorp
Classification: Uncertain significance. Last evaluated: 2026-01-13. Review status: criteria provided, single submitter. Criteria: Invitae Variant Classification Sherloc (09022015). Collection method: clinical testing. Allele origin: germline.
Comment: This sequence change replaces threonine, which is neutral and polar, with isoleucine, which is neutral and non-polar, at codon 1094 of the FLNB protein (p.Thr1094Ile). This variant is not present in population databases (gnomAD no frequency). This variant has not been reported in the literature in individuals affected with FLNB-related conditions. Invitae Evidence Modeling of protein sequence and biophysical properties (such as structural, functional, and spatial information, amino acid conservation, physicochemical variation, residue mobility, and thermodynamic stability) indicates that this missense variant is not expected to disrupt FLNB protein function with a negative predictive value of 80%. In summary, the available evidence is currently insufficient to determine the role of this variant in disease. Therefore, it has been classified as a Variant of Uncertain Significance.